The following is an entry in ClinVar:

ClinVar aggregate classification (germline): Uncertain significance (1 of 4 stars; one submission).

Allele frequency attached by ClinVar (database versions not stated): gnomAD exomes below 0.00001; gnomAD 0.00001; TOPMed 0.00001.
gnomAD v4.1: 3 of 1,594,202 alleles (0.00019%); highest among the groups gnomAD compares: African/African-American, 0.004%; no homozygotes.

Submission:

Labcorp Genetics (formerly Invitae), Labcorp
Classification: Uncertain significance. Last evaluated: 2021-09-29. Review status: criteria provided, single submitter. Criteria: Invitae Variant Classification Sherloc (09022015). Collection method: clinical testing. Allele origin: germline.
Comment: In summary, the available evidence is currently insufficient to determine the role of this variant in disease. Therefore, it has been classified as a Variant of Uncertain Significance. Algorithms developed to predict the effect of missense changes on protein structure and function (SIFT, PolyPhen-2, Align-GVGD) all suggest that this variant is likely to be disruptive. This variant has not been reported in the literature in individuals affected with RIMS1-related conditions. This variant is not present in population databases (ExAC no frequency). This sequence change replaces arginine with serine at codon 1386 of the RIMS1 protein (p.Arg1386Ser). The arginine residue is highly conserved and there is a moderate physicochemical difference between arginine and serine.

NM_014989.7(RIMS1):c.4158A>T (p.Arg1386Ser)

Gene: RIMS1 (regulating synaptic membrane exocytosis 1; plus strand). Cytogenetic location: 6q13.
Variant type: single nucleotide variant.
Coding change: c.4158A>T on transcript NM_014989.7 (MANE Select); coding-DNA position 4158, A replaced by T.
Protein change: p.Arg1386Ser; replaces arginine 1386 with serine.
Molecular consequence: missense variant. On other transcripts: intron variant (24).
Genome position (GRCh38, 1-based): chr6:72,333,627, A>T. VCF-style: chr6-72333627-A-T. GRCh37 (hg19) VCF-style: chr6-73043330-A-T.
Other names: c.2175A>T, p.Arg725Ser (NM_001350415.2); c.2124A>T, p.Arg708Ser (NM_001350416.2); c.2097A>T, p.Arg699Ser (NM_001350418.2); c.2232A>T, p.Arg744Ser (NM_001350420.2); c.1977A>T, p.Arg659Ser (NM_001350421.2); c.1866A>T, p.Arg622Ser (NM_001350423.2); c.2076A>T, p.Arg692Ser (NM_001350425.2); c.1896A>T, p.Arg632Ser (NM_001350429.2); and 53 more; short protein forms R601S, R660S, R676S, R683S, R693S, R616S, R655S, R673S.
Identifiers: ClinVar variation 1483181 (VCV001483181.6), dbSNP rs905742345, ClinGen allele CA140893798.
Genomic context (GRCh38, chr6:72,333,627, plus strand): 5'-GGATGCATATATGTTTTTACTTTGTAAATATAGTTCATTTACCCCCAAAATGCAAGGCAG[A>T]CGGATGGGGACTTCAGGAAGATCCATCATGAAGAGCACCAGTGTCAGTGGAGAGATGTAC-3'
Protein context (NP_055804.2, residues 1376-1396): ISSFTPKMQG[Arg1386Ser]RMGTSGRSIM